The following is an entry in ClinVar:

ClinVar aggregate classification (germline): Conflicting classifications of pathogenicity. Review status: criteria provided, conflicting classifications (1 of 4 stars). 4 submissions from 4 submitters: Uncertain significance (3); Likely benign (1). Last evaluated 2025-11-23.

Conditions:
Cardiovascular phenotype. Identifiers: MedGen CN230736.
Primary dilated cardiomyopathy (DCM). Also called: Dilated Cardiomyopathy. Identifiers: Orphanet 217604, MedGen C0007193, MeSH D002311, MONDO:0005021, HP:0001644. Inheritance: Various modes of inheritance.

Allele frequency attached by ClinVar (database versions not stated): gnomAD exomes 0.00023 and 0.00011; TOPMed 0.00006; ExAC 0.00019; gnomAD 0.00002.
gnomAD v4.1: 68 of 1,612,794 alleles (0.0042%); highest among the groups gnomAD compares: Admixed American, 0.11%; no homozygotes.

Submissions (4):

Labcorp Genetics (formerly Invitae), Labcorp
Classification: Likely benign for Primary dilated cardiomyopathy. Last evaluated: 2025-11-23. Review status: criteria provided, single submitter. Criteria: Invitae Variant Classification Sherloc (09022015). Collection method: clinical testing. Allele origin: germline.

Laboratory for Molecular Medicine, Mass General Brigham Personalized Medicine
Classification: Uncertain significance. Last evaluated: 2015-09-10. Review status: criteria provided, single submitter. Criteria: LMM Criteria. Collection method: clinical testing. Allele origin: germline. Observed: 1 variant allele.
Comment: Variant classified as Uncertain Significance - Favor Benign. The p.Thr69Ala vari ant in NEBL has not been previously reported in individuals with cardiomyopathy, but has been identified in 0.2% (23/11558) of Latino chromosomes by the Exome A ggregation Consortium (ExAC; dbSNP rs780384504). Computational prediction tools and conservation analysis suggest that the p.Thr 69Ala variant may not impact the protein, though this information is not predict ive enough to rule out pathogenicity. In summary, while the clinical significanc e of the p.Thr69Ala variant is uncertain, these data suggest that it is more lik ely to be benign.

Stanford Center for Inherited Cardiovascular Disease, Stanford University
Classification: Uncertain significance. Last evaluated: 2013-09-20. Review status: criteria provided, single submitter. Criteria: ACMG Guidelines, 2015. Collection method: provider interpretation. Allele origin: germline.

Ambry Genetics
Classification: Uncertain significance for Cardiovascular phenotype. Last evaluated: 2013-09-19. Review status: criteria provided, single submitter. Criteria: Ambry Autosomal Dominant and X-Linked criteria (10/2015). Collection method: clinical testing. Allele origin: germline. Observed: 1 variant allele.
Comment: The p.T69A variant (also known as c.205A>G) is located in coding exon 3 of the NEBL gene. This alteration results from an A to G substitution at nucleotide position 205. The threonine at codon 69 is replaced by alanine, an amino acid with some similar properties. No population frequency information could be found. Ã¢â‚¬â€¹This variant was not reported in population-based cohorts in the following databases: Database of Single Nucleotide Polymorphisms (dbSNP), NHLBI Exome Sequencing Project (ESP) and 1000 Genomes Project. This amino acid position is poorly conserved on sequence alignment. This variant is predicted to be benign by PolyPhen and tolerated by SIFT in silico analyses. Since supporting evidence is limited at this time, the clinical significance of p.T69A remains unclear.

NM_006393.3(NEBL):c.205A>G (p.Thr69Ala)

Gene: NEBL (nebulette; minus strand). Cytogenetic location: 10p12.31.
Variant type: single nucleotide variant.
Coding change: c.205A>G on transcript NM_006393.3 (MANE Select); coding-DNA position 205, A replaced by G.
Protein change: p.Thr69Ala; replaces threonine 69 with alanine.
Molecular consequence: missense variant. On other transcripts: intron variant (9).
Genome position (GRCh38, 1-based): chr10:20,889,898, T>C on the plus strand (A>G on the coding strand, the complement: NEBL is on the minus strand). VCF-style: chr10-20889898-T-C. GRCh37 (hg19) VCF-style: chr10-21178827-T-C.
Other names: c.249+71774A>G (NM_001377326.1, NM_001377327.1, NM_001377328.1); c.357+71774A>G (NM_213569.2, NM_001173484.2, NM_001377322.1); c.300+71774A>G (NM_001377324.1); c.291+71774A>G (NM_001377325.1); c.309+71774A>G (NM_001377323.1); short protein forms T69A.
Identifiers: ClinVar variation 229043 (VCV000229043.18), dbSNP rs780384504, ClinGen allele CA5433330.
Genomic context (GRCh38, chr10:20,889,898, plus strand): 5'-ACCTTACCTCAGAAATAAAAGCACCGATATTTTTTACATGGTTTAGCATAGGACTGTCAG[T>C]CACAAATGTACACTTATCCTTGGACTTTTTAAACTCTTCTTTATAACGGATCTAAAAAAG-3'
Protein context (NP_006384.1, residues 59-79): KKSKDKCTFV[Thr69Ala]DSPMLNHVKN